The following is an entry in ClinVar:

ClinVar aggregate classification (germline): Likely benign. Review status: criteria provided, multiple submitters, no conflicts (2 of 4 stars). 3 submissions from 3 submitters: Likely benign (2). 1 of the submissions does not count toward it. Last evaluated 2025-10-31.

Conditions:
PARN-related disorder. Also called: PARN-related disorders; PARN-related condition.
Dyskeratosis congenita, autosomal recessive 6 (DKCB6). Identifiers: MedGen C4225356, MONDO:0014600, OMIM 616353.
Pulmonary fibrosis and/or bone marrow failure, Telomere-related, 4. Also called: PULMONARY FIBROSIS AND/OR BONE MARROW FAILURE SYNDROME, TELOMERE-RELATED, 4. Identifiers: Orphanet 2032, MedGen C4225347, MONDO:0014612, OMIM 616371.

Allele frequency attached by ClinVar (database versions not stated): gnomAD 0.00001; gnomAD exomes 0.00001.
gnomAD v4.1: 13 of 1,596,496 alleles (0.00081%); highest among the groups gnomAD compares: Non-Finnish European, 0.001%; no homozygotes.

Submissions (3):

Labcorp Genetics (formerly Invitae), Labcorp
Classification: Likely benign for Dyskeratosis congenita, autosomal recessive 6; Pulmonary fibrosis and/or bone marrow failure, Telomere-related, 4. Last evaluated: 2025-10-31. Review status: criteria provided, single submitter. Criteria: Invitae Variant Classification Sherloc (09022015). Collection method: clinical testing. Allele origin: germline.

Blueprint Genetics
Classification: Likely benign. Last evaluated: 2023-10-25. Review status: criteria provided, single submitter. Criteria: ACMG Guidelines, 2015. Collection method: clinical testing. Allele origin: germline.

PreventionGenetics, part of Exact Sciences
Classification: Likely benign for PARN-related condition. Last evaluated: 2021-04-19. Review status: no assertion criteria provided. Collection method: clinical testing. Allele origin: germline. Not counted in ClinVar's aggregate classification.
Comment: This variant is classified as likely benign based on ACMG/AMP sequence variant interpretation guidelines (Richards et al. 2015 PMID: 25741868, with internal and published modifications).

NM_002582.4(PARN):c.255G>A (p.Thr85=)

Gene: PARN (poly(A)-specific ribonuclease; minus strand). Cytogenetic location: 16p13.12.
Variant type: single nucleotide variant.
Coding change: c.255G>A on transcript NM_002582.4 (MANE Select); coding-DNA position 255, G replaced by A.
Protein change: p.Thr85=; no amino-acid change (threonine 85 retained).
Molecular consequence: synonymous variant. On other transcripts: intron variant (1).
Genome position (GRCh38, 1-based): chr16:14,627,178, C>T on the plus strand (G>A on the coding strand, the complement: PARN is on the minus strand). VCF-style: chr16-14627178-C-T. GRCh37 (hg19) VCF-style: chr16-14721035-C-T.
Other names: c.72G>A, p.Thr24= (NM_001134477.3); c.159-42G>A (NM_001242992.2).
Identifiers: ClinVar variation 3030369 (VCV003030369.5), dbSNP rs1349142176, ClinGen allele CA493441157.